The following is an entry in ClinVar:

NM_004366.6(CLCN2):c.1721+4C>T

Gene: CLCN2 (chloride voltage-gated channel 2; minus strand). Cytogenetic location: 3q27.1.
Variant type: single nucleotide variant.
Coding change: c.1721+4C>T on transcript NM_004366.6 (MANE Select); 4 bases into the intron after coding-DNA position 1721, C replaced by T.
Molecular consequence: intron variant.
Genome position (GRCh38, 1-based): chr3:184,354,097, G>A on the plus strand (C>T on the coding strand, the complement: CLCN2 is on the minus strand). VCF-style: chr3-184354097-G-A. GRCh37 (hg19) VCF-style: chr3-184071885-G-A.
Other names: c.1589+4C>T (NM_001171088.3); c.1670+4C>T (NM_001171087.3); c.1721+4C>T (NM_001171089.3).
Identifiers: ClinVar variation 2049364 (VCV002049364.5), dbSNP rs374265846, ClinGen allele CA2734015.

ClinVar aggregate classification (germline): Uncertain significance. Review status: criteria provided, multiple submitters, no conflicts (2 of 4 stars). 2 submissions from 2 submitters: Uncertain significance (2). Last evaluated 2025-01-06.

Conditions:
Epilepsy, idiopathic generalized, susceptibility to, 11 (EIG11). Identifiers: Orphanet 307, MedGen C2750893, MONDO:0011875, OMIM 607628.
Leukoencephalopathy with mild cerebellar ataxia and white matter edema (LKPAT). Also called: Leukoencephalopathy with ataxia; CLCN2-Related Leukoencephalopathy; Leukoencephalopathy with white matter edema; Brain white matter edema. Identifiers: Orphanet 363540, MedGen C4554120, MONDO:0014292, OMIM 615651. Disease mechanism: loss of function.
Familial hyperaldosteronism type II. Also called: FH II. Identifiers: Orphanet 404, MedGen C1854107, MONDO:0011576, OMIM 605635.

Allele frequency attached by ClinVar (database versions not stated): gnomAD 0.00001; TOPMed 0.00002; ExAC 0.00003; ESP Exome Variant Server 0.00008.

Submissions (2):

Labcorp Genetics (formerly Invitae), Labcorp
Classification: Uncertain significance. Last evaluated: 2025-01-06. Review status: criteria provided, single submitter. Criteria: Invitae Variant Classification Sherloc (09022015). Collection method: clinical testing. Allele origin: germline.
Comment: This sequence change falls in intron 15 of the CLCN2 gene. It does not directly change the encoded amino acid sequence of the CLCN2 protein. It affects a nucleotide within the consensus splice site. This variant is present in population databases (rs374265846, gnomAD 0.01%). This variant has not been reported in the literature in individuals affected with CLCN2-related conditions. ClinVar contains an entry for this variant (Variation ID: 2049364). Variants that disrupt the consensus splice site are a relatively common cause of aberrant splicing (PMID: 17576681, 9536098). Algorithms developed to predict the effect of sequence changes on RNA splicing suggest that this variant is not likely to affect RNA splicing. In summary, the available evidence is currently insufficient to determine the role of this variant in disease. Therefore, it has been classified as a Variant of Uncertain Significance.

Fulgent Genetics
Classification: Uncertain significance for Familial hyperaldosteronism type II; Epilepsy, idiopathic generalized, susceptibility to, 11; Leukoencephalopathy with mild cerebellar ataxia and white matter edema. Last evaluated: 2024-04-25. Review status: criteria provided, single submitter. Criteria: ACMG Guidelines, 2015. Collection method: clinical testing. Allele origin: germline.

Literature cited by the submitters: PubMed 17576681 (cited by Labcorp Genetics (formerly Invitae), Labcorp); PubMed 9536098 (cited by Labcorp Genetics (formerly Invitae), Labcorp).